The following is an entry in ClinVar:

NM_000834.5(GRIN2B):c.4330A>G (p.Lys1444Glu)

Gene: GRIN2B (glutamate ionotropic receptor NMDA type subunit 2B; minus strand). Cytogenetic location: 12p13.1.
Variant type: single nucleotide variant.
Coding change: c.4330A>G on transcript NM_000834.5 (MANE Select); coding-DNA position 4330, A replaced by G.
Protein change: p.Lys1444Glu; replaces lysine 1444 with glutamic acid.
Molecular consequence: missense variant.
Genome position (GRCh38, 1-based): chr12:13,562,908, T>C on the plus strand (A>G on the coding strand, the complement: GRIN2B is on the minus strand). VCF-style: chr12-13562908-T-C. GRCh37 (hg19) VCF-style: chr12-13715842-T-C.
Other names: c.4330A>G (NM_000834.3); short protein forms K1444E.
Identifiers: ClinVar variation 1039906 (VCV001039906.10), dbSNP rs768707460, ClinGen allele CA6460735.
Genomic context (GRCh38, chr12:13,562,908, plus strand): 5'-CCCTGGGGTTTTTGTTGTTAGGCACACAGGGGTTGGACTGGTTCCCTATACAGATGTCCT[T>C]CTGGAAACGGGCTGGCACGGCCCCATGAAGGGCCGAGACCACCGGCTTGTTGGTGACAAG-3'
Protein context (NP_000825.2, residues 1434-1454): LHGAVPARFQ[Lys1444Glu]DICIGNQSNP

ClinVar aggregate classification (germline): Uncertain significance. Review status: criteria provided, multiple submitters, no conflicts (2 of 4 stars). 2 submissions from 2 submitters: Uncertain significance (2). Last evaluated 2024-07-19.

Conditions:
Inborn genetic diseases. Identifiers: MedGen C0950123, MeSH D030342.
Developmental and epileptic encephalopathy, 27 (DEE27). Also called: GRIN2B-Related Neurodevelopmental Disorder; Epileptic encephalopathy, early infantile, 27. Identifiers: Orphanet 3451, MedGen C4015316, MONDO:0014505, OMIM 616139.
Intellectual developmental disorder, autosomal dominant 6, with or without seizures. Also called: Intellectual disability, autosomal dominant 6; GRIN2B-related developmental delay, intellectual disability and autism spectrum disorder. Identifiers: Orphanet 589547, MedGen C3151411, MONDO:0013509, OMIM 613970.

Allele frequency attached by ClinVar (database versions not stated): gnomAD exomes 0.00001 and below 0.00001; TOPMed below 0.00001; ExAC 0.00002.
gnomAD v4.1: 2 of 1,614,174 alleles (0.00012%); highest among the groups gnomAD compares: East Asian, 0.0045%; no homozygotes.

Submissions (2):

Labcorp Genetics (formerly Invitae), Labcorp
Classification: Uncertain significance for Developmental and epileptic encephalopathy, 27; Intellectual developmental disorder, autosomal dominant 6, with or without seizures. Last evaluated: 2024-07-19. Review status: criteria provided, single submitter. Criteria: Invitae Variant Classification Sherloc (09022015). Collection method: clinical testing. Allele origin: germline.
Comment: This sequence change replaces lysine, which is basic and polar, with glutamic acid, which is acidic and polar, at codon 1444 of the GRIN2B protein (p.Lys1444Glu). This variant is present in population databases (rs768707460, gnomAD 0.01%). This variant has not been reported in the literature in individuals affected with GRIN2B-related conditions. ClinVar contains an entry for this variant (Variation ID: 1039906). Advanced modeling of protein sequence and biophysical properties (such as structural, functional, and spatial information, amino acid conservation, physicochemical variation, residue mobility, and thermodynamic stability) performed at Invitae indicates that this missense variant is not expected to disrupt GRIN2B protein function with a negative predictive value of 95%. In summary, the available evidence is currently insufficient to determine the role of this variant in disease. Therefore, it has been classified as a Variant of Uncertain Significance.

Ambry Genetics
Classification: Uncertain significance for Inborn genetic diseases. Last evaluated: 2024-03-12. Review status: criteria provided, single submitter. Criteria: Ambry Variant Classification Scheme 2023. Collection method: clinical testing. Allele origin: germline.